The following is an entry in ClinVar:

ClinVar aggregate classification (germline): Uncertain significance (1 of 4 stars; one submission).

Conditions:
Cardiovascular phenotype. Identifiers: MedGen CN230736.

Allele frequency attached by ClinVar (database versions not stated): gnomAD exomes 0.00001; TOPMed 0.00002; gnomAD 0.00003.
gnomAD v4.1: 16 of 1,549,486 alleles (0.001%); highest among the groups gnomAD compares: Admixed American, 0.0078%; no homozygotes.

Submission:

Ambry Genetics
Classification: Uncertain significance for Cardiovascular phenotype. Last evaluated: 2023-11-21. Review status: criteria provided, single submitter. Criteria: Ambry Variant Classification Scheme 2023. Collection method: clinical testing. Allele origin: germline.
Comment: The p.E135K variant (also known as c.403G>A), located in coding exon 1 of the ZNF469 gene, results from a G to A substitution at nucleotide position 403. The glutamic acid at codon 135 is replaced by lysine, an amino acid with similar properties. This amino acid position is conserved. In addition, this alteration is predicted to be tolerated by in silico analysis. Since supporting evidence is limited at this time, the clinical significance of this alteration remains unclear.

NM_001367624.2(ZNF469):c.403G>A (p.Glu135Lys)

Gene: ZNF469 (zinc finger protein 469; plus strand). Cytogenetic location: 16q24.2.
Variant type: single nucleotide variant.
Coding change: c.403G>A on transcript NM_001367624.2 (MANE Select); coding-DNA position 403, G replaced by A.
Protein change: p.Glu135Lys; replaces glutamic acid 135 with lysine.
Molecular consequence: missense variant.
Genome position (GRCh38, 1-based): chr16:88,427,873, G>A. VCF-style: chr16-88427873-G-A. GRCh37 (hg19) VCF-style: chr16-88494281-G-A.
Other names: NM_001127464.1:c.403G>A; short protein forms E135K.
Identifiers: ClinVar variation 3232803 (VCV003232803.1), dbSNP rs940155253, ClinGen allele CA286371612.